The following is an entry in ClinVar:

NM_198428.3(BBS9):c.1249G>A (p.Val417Ile)

Gene: BBS9 (Bardet-Biedl syndrome 9; plus strand). Cytogenetic location: 7p14.3.
Variant type: single nucleotide variant.
Coding change: c.1249G>A on transcript NM_198428.3 (MANE Select); coding-DNA position 1249, G replaced by A.
Protein change: p.Val417Ile; replaces valine 417 with isoleucine.
Molecular consequence: missense variant. On other transcripts: non-coding transcript variant (3).
Genome position (GRCh38, 1-based): chr7:33,340,947, G>A. VCF-style: chr7-33340947-G-A. GRCh37 (hg19) VCF-style: chr7-33380559-G-A.
Other names: c.1249G>A, p.Val417Ile (NM_001033604.2, NM_001033605.2, NM_001348036.1 and 5 more transcripts); c.883G>A, p.Val295Ile (NM_001348037.3, NM_001348044.3, NM_001348045.3 and 1 more transcripts); c.976G>A, p.Val326Ile (NM_001348038.3, NM_001348039.3); c.1114G>A, p.Val372Ile (NM_001348042.3); short protein forms V295I, V326I, V372I, V417I.
Identifiers: ClinVar variation 3346607 (VCV003346607.1).

ClinVar aggregate classification (germline): Uncertain significance (0 of 4 stars; one submission).

Conditions:
BBS9-related disorder. Also called: BBS9-related condition.

gnomAD v4.1: 15 of 1,613,498 alleles (0.00093%); highest among the groups gnomAD compares: South Asian, 0.016%; no homozygotes.

Submission:

PreventionGenetics, part of Exact Sciences
Classification: Uncertain significance for BBS9-related condition. Last evaluated: 2024-08-20. Review status: no assertion criteria provided. Collection method: clinical testing. Allele origin: germline.
Comment: The BBS9 c.1249G>A variant is predicted to result in the amino acid substitution p.Val417Ile. To our knowledge, this variant has not been reported in the literature. This variant is reported in 0.013% of alleles in individuals of South Asian descent in gnomAD. At this time, the clinical significance of this variant is uncertain due to the absence of conclusive functional and genetic evidence.